The following is an entry in ClinVar:

ClinVar aggregate classification (germline): Uncertain significance. Review status: criteria provided, multiple submitters, no conflicts (2 of 4 stars). 7 submissions from 6 submitters: Uncertain significance (7). Last evaluated 2025-08-01.

Conditions:
Autosomal recessive ataxia, Beauce type. Also called: Spinocerebellar ataxia, autosomal recessive 8; SYNE1 Deficiency; ATAXIA, RECESSIVE, OF BEAUCE; SYNE1-Related Autosomal Recessive Cerebellar Ataxia. Identifiers: Orphanet 88644, MedGen C1853116, MONDO:0012549, OMIM 610743.
Emery-Dreifuss muscular dystrophy 4, autosomal dominant (EDMD4). Also called: EMERY-DREIFUSS MUSCULAR DYSTROPHY 4 WITH VARIABLE FEATURES. Identifiers: Orphanet 261, MedGen C2751807, MONDO:0013071, OMIM 612998.

Allele frequency attached by ClinVar (database versions not stated): ExAC 0.00001; gnomAD 0.00004 and 0.00006; gnomAD exomes 0.00004 and 0.00005; TOPMed 0.00006; ESP Exome Variant Server 0.00015.
gnomAD v4.1: 85 of 1,614,082 alleles (0.0053%); highest among the groups gnomAD compares: Non-Finnish European, 0.0069%; no homozygotes.

Submissions (7):

CeGaT Center for Human Genetics Tuebingen
Classification: Uncertain significance. Last evaluated: 2025-08-01. Review status: criteria provided, single submitter. Criteria: CeGaT Center For Human Genetics Tuebingen Variant Classification Criteria Version 2. Collection method: clinical testing. Allele origin: germline. Affected: yes. Observed: 1 variant allele.
Comment: SYNE1: PM2

Athena Diagnostics
Classification: Uncertain significance. Last evaluated: 2024-09-26. Review status: criteria provided, single submitter. Criteria: Athena Diagnostics Criteria. Collection method: clinical testing. Allele origin: unknown.
Comment: Available data are insufficient to determine the clinical significance of the variant at this time. The frequency of this variant in the general population is uninformative in assessment of its pathogenicity. Polyphen and MutationTaster yielded discordant predictions regarding whether this amino acid change is damaging to the protein.

Labcorp Genetics (formerly Invitae), Labcorp
Classification: Uncertain significance for Emery-Dreifuss muscular dystrophy 4, autosomal dominant; Autosomal recessive ataxia, Beauce type. Last evaluated: 2022-10-17. Review status: criteria provided, single submitter. Criteria: Invitae Variant Classification Sherloc (09022015). Collection method: clinical testing. Allele origin: germline.
Comment: In summary, the available evidence is currently insufficient to determine the role of this variant in disease. Therefore, it has been classified as a Variant of Uncertain Significance. Algorithms developed to predict the effect of missense changes on protein structure and function (SIFT, PolyPhen-2, Align-GVGD) all suggest that this variant is likely to be disruptive. ClinVar contains an entry for this variant (Variation ID: 471013). This variant has not been reported in the literature in individuals affected with SYNE1-related conditions. This variant is present in population databases (rs143554730, gnomAD 0.005%). This sequence change replaces glutamic acid, which is acidic and polar, with lysine, which is basic and polar, at codon 6339 of the SYNE1 protein (p.Glu6339Lys).

Revvity Omics, Revvity
Classification: Uncertain significance. Last evaluated: 2022-03-14. Review status: criteria provided, single submitter. Criteria: ACMG Guidelines, 2015. Collection method: clinical testing. Allele origin: germline.

Illumina Laboratory Services, Illumina
Classification: Uncertain significance for Emery-Dreifuss muscular dystrophy 4, autosomal dominant. Last evaluated: 2018-01-13. Review status: criteria provided, single submitter. Criteria: ICSL Variant Classification Criteria 13 December 2019. Collection method: clinical testing. Allele origin: germline.

Illumina Laboratory Services, Illumina
Classification: Uncertain significance for Autosomal recessive ataxia, Beauce type. Last evaluated: 2018-01-13. Review status: criteria provided, single submitter. Criteria: ICSL Variant Classification Criteria 13 December 2019. Collection method: clinical testing. Allele origin: germline.

Breakthrough Genomics
Classification: Uncertain significance. Review status: criteria provided, single submitter. Criteria: ACMG Guidelines, 2015. Collection method: not provided. Allele origin: germline. Inheritance: Autosomal recessive inheritance. Affected: yes.

Literature cited by the submitters: PubMed 26302956 (cited by Athena Diagnostics).

NM_182961.4(SYNE1):c.19228G>A (p.Glu6410Lys)

Gene: SYNE1 (spectrin repeat containing nuclear envelope protein 1; minus strand). Cytogenetic location: 6q25.2.
Variant type: single nucleotide variant.
Coding change: c.19228G>A on transcript NM_182961.4 (MANE Select); coding-DNA position 19228, G replaced by A.
Protein change: p.Glu6410Lys; replaces glutamic acid 6410 with lysine.
Molecular consequence: missense variant.
Genome position (GRCh38, 1-based): chr6:152,255,623, C>T on the plus strand (G>A on the coding strand, the complement: SYNE1 is on the minus strand). VCF-style: chr6-152255623-C-T. GRCh37 (hg19) VCF-style: chr6-152576758-C-T.
Other names: c.19015G>A, p.Glu6339Lys (NM_033071.5); short protein forms E6410K, E6339K.
Identifiers: ClinVar variation 471013 (VCV000471013.24), dbSNP rs143554730, ClinGen allele CA4054731.